The following is an entry in ClinVar:

NM_000426.4(LAMA2):c.6993-2A>G

Gene: LAMA2 (laminin subunit alpha 2; plus strand). Cytogenetic location: 6q22.33.
Variant type: single nucleotide variant.
Coding change: c.6993-2A>G on transcript NM_000426.4 (MANE Select); the canonical splice acceptor site of the intron before coding-DNA position 6993, A replaced by G.
Molecular consequence: splice acceptor variant.
Genome position (GRCh38, 1-based): chr6:129,464,288, A>G. VCF-style: chr6-129464288-A-G. GRCh37 (hg19) VCF-style: chr6-129785433-A-G.
Other names: c.6993-2A>G (NM_001079823.2).
Identifiers: ClinVar variation 1070507 (VCV001070507.9), dbSNP rs200669208, ClinGen allele CA365619809.

ClinVar aggregate classification (germline): Pathogenic (1 of 4 stars; one submission).

Conditions:
LAMA2-related muscular dystrophy (LAMA2-RD). Also called: Laminin alpha 2-related dystrophy. Identifiers: MedGen C5679788, MONDO:0100228.

gnomAD v4.1: 1 of 1,610,578 alleles (0.000062%); highest among the groups gnomAD compares: Non-Finnish European, 0.000085%; no homozygotes.

Submission:

Labcorp Genetics (formerly Invitae), Labcorp
Classification: Pathogenic for LAMA2-related muscular dystrophy. Last evaluated: 2020-09-15. Review status: criteria provided, single submitter. Criteria: Invitae Variant Classification Sherloc (09022015). Collection method: clinical testing. Allele origin: germline.
Comment: Disruption of this splice site has been observed in individual(s) with congenital muscular dystrophy (PMID: 24611677, 18700894). For these reasons, this variant has been classified as Pathogenic. Donor and acceptor splice site variants typically lead to a loss of protein function (PMID: 16199547), and loss-of-function variants in LAMA2 are known to be pathogenic (PMID: 18700894). Algorithms developed to predict the effect of sequence changes on RNA splicing suggest that this variant may disrupt the consensus splice site, but this prediction has not been confirmed by published transcriptional studies. This variant is not present in population databases (ExAC no frequency). This sequence change affects an acceptor splice site in intron 49 of the LAMA2 gene. It is expected to disrupt RNA splicing and likely results in an absent or disrupted protein product.

Literature cited by the submitters: PubMed 24611677; PubMed 18700894; PubMed 16199547.